The following is an entry in ClinVar:

NC_000022.11:g.40345931A>G

Gene: ADSL (adenylosuccinate lyase; plus strand). Cytogenetic location: 22q13.1.
Variant type: single nucleotide variant.
Genome position: GRCh38 VCF-style: chr22-40345931-A-G. GRCh37 (hg19) VCF-style: chr22-40741935-A-G.
Identifiers: ClinVar variation 1368354 (VCV001368354.6), dbSNP rs2146609004, ClinGen allele CA2573158338.
Genomic context (GRCh38, chr22:40,345,931, plus strand): 5'-CTGCCTGCCTCGACCTCCCGAAGTGCTGGGATTACAGGCGTAGGCCACCGCAGCCGGCTC[A>G]CTGGGGGCGCAGTAAATGCCGATTTCCCTTGGGTATCTTCATTTCTCCTTAGAGCCGAGC-3'

ClinVar aggregate classification (germline): Uncertain significance (1 of 4 stars; one submission).

Conditions:
Adenylosuccinate lyase deficiency (ADSLD). Also called: ADSL DEFICIENCY. Identifiers: Orphanet 46, MedGen C0268126, MONDO:0007068, OMIM 103050.

Submission:

Labcorp Genetics (formerly Invitae), Labcorp
Classification: Uncertain significance for Adenylosuccinate lyase deficiency. Last evaluated: 2022-01-13. Review status: criteria provided, single submitter. Criteria: Invitae Variant Classification Sherloc (09022015). Collection method: clinical testing. Allele origin: germline.
Comment: In summary, the available evidence is currently insufficient to determine the role of this variant in disease. Therefore, it has been classified as a Variant of Uncertain Significance. Experimental studies and prediction algorithms are not available or were not evaluated, and the functional significance of this variant is currently unknown. This variant has not been reported in the literature in individuals affected with ADSL-related conditions. This variant is not present in population databases (gnomAD no frequency). This variant occurs in a non-coding region of the ADSL gene. It does not change the encoded amino acid sequence of the ADSL protein.